The following is an entry in ClinVar:

NM_139057.4(ADAMTS17):c.2318A>T (p.Asp773Val)

Gene: ADAMTS17 (ADAM metallopeptidase with thrombospondin type 1 motif 17; minus strand). Cytogenetic location: 15q26.3.
Variant type: single nucleotide variant.
Coding change: c.2318A>T on transcript NM_139057.4 (MANE Select); coding-DNA position 2318, A replaced by T.
Protein change: p.Asp773Val; replaces aspartic acid 773 with valine.
Molecular consequence: missense variant.
Genome position (GRCh38, 1-based): chr15:100,051,709, T>A on the plus strand (A>T on the coding strand, the complement: ADAMTS17 is on the minus strand). VCF-style: chr15-100051709-T-A. GRCh37 (hg19) VCF-style: chr15-100591914-T-A.
Other names: short protein forms D773V.
Identifiers: ClinVar variation 1412607 (VCV001412607.6), dbSNP rs774406082, ClinGen allele CA7757770.

ClinVar aggregate classification (germline): Uncertain significance (1 of 4 stars; one submission).

Allele frequency attached by ClinVar (database versions not stated): gnomAD exomes below 0.00001 and 0.00002; ExAC 0.00002.
gnomAD v4.1: 6 of 1,614,172 alleles (0.00037%); highest among the groups gnomAD compares: South Asian, 0.0055%; no homozygotes.

Submission:

Labcorp Genetics (formerly Invitae), Labcorp
Classification: Uncertain significance. Last evaluated: 2021-05-08. Review status: criteria provided, single submitter. Criteria: Invitae Variant Classification Sherloc (09022015). Collection method: clinical testing. Allele origin: germline.
Comment: In summary, the available evidence is currently insufficient to determine the role of this variant in disease. Therefore, it has been classified as a Variant of Uncertain Significance. Algorithms developed to predict the effect of missense changes on protein structure and function are either unavailable or do not agree on the potential impact of this missense change (SIFT: "Not Available"; PolyPhen-2: "Benign"; Align-GVGD: "Not Available"). This variant has not been reported in the literature in individuals with ADAMTS17-related conditions. This variant is present in population databases (rs774406082, ExAC 0.006%). This sequence change replaces aspartic acid with valine at codon 773 of the ADAMTS17 protein (p.Asp773Val). The aspartic acid residue is weakly conserved and there is a large physicochemical difference between aspartic acid and valine.